The following is an entry in ClinVar:

NM_020223.4(FAM20C):c.1643G>A (p.Arg548Gln)

Gene: FAM20C (FAM20C golgi associated secretory pathway kinase; plus strand). Cytogenetic location: 7p22.3.
Variant type: single nucleotide variant.
Coding change: c.1643G>A on transcript NM_020223.4 (MANE Select); coding-DNA position 1643, G replaced by A.
Protein change: p.Arg548Gln; replaces arginine 548 with glutamine.
Molecular consequence: missense variant.
Genome position (GRCh38, 1-based): chr7:259,868, G>A. VCF-style: chr7-259868-G-A. GRCh37 (hg19) VCF-style: chr7-299834-G-A.
Other names: c.1643G>A (NM_020223.2); short protein forms R548Q.
Identifiers: ClinVar variation 2176931 (VCV002176931.4), dbSNP rs764403309, ClinGen allele CA4109210.
Genomic context (GRCh38, chr7:259,868, plus strand): 5'-CTCTGCGGGGGGACCAGGTGGCACCCGTGCTGTACCAGCCGCACCTGGAGGCCCTGGACC[G>A]GCGGCTCCGCGTCGTGCTAAAGGCCGTCCGGGACTGCGTGGAGAGGAACGGGCTCCACAG-3'
Protein context (NP_064608.2, residues 538-558): LYQPHLEALD[Arg548Gln]RLRVVLKAVR

ClinVar aggregate classification (germline): Uncertain significance. Review status: criteria provided, multiple submitters, no conflicts (2 of 4 stars). 2 submissions from 2 submitters: Uncertain significance (2). Last evaluated 2024-11-11.

Conditions:
Inborn genetic diseases. Identifiers: MedGen C0950123, MeSH D030342.

Allele frequency attached by ClinVar (database versions not stated): TOPMed 0.00005; gnomAD 0.00007; ExAC 0.00019.
gnomAD v4.1: 31 of 1,536,146 alleles (0.002%); highest among the groups gnomAD compares: East Asian, 0.0098%; no homozygotes.

Submissions (2):

Labcorp Genetics (formerly Invitae), Labcorp
Classification: Uncertain significance. Last evaluated: 2024-11-11. Review status: criteria provided, single submitter. Criteria: Invitae Variant Classification Sherloc (09022015). Collection method: clinical testing. Allele origin: germline.
Comment: This sequence change replaces arginine, which is basic and polar, with glutamine, which is neutral and polar, at codon 548 of the FAM20C protein (p.Arg548Gln). This variant is present in population databases (rs764403309, gnomAD 0.01%). This variant has not been reported in the literature in individuals affected with FAM20C-related conditions. ClinVar contains an entry for this variant (Variation ID: 2176931). Invitae Evidence Modeling of protein sequence and biophysical properties (such as structural, functional, and spatial information, amino acid conservation, physicochemical variation, residue mobility, and thermodynamic stability) indicates that this missense variant is expected to disrupt FAM20C protein function with a positive predictive value of 80%. In summary, the available evidence is currently insufficient to determine the role of this variant in disease. Therefore, it has been classified as a Variant of Uncertain Significance.

Ambry Genetics
Classification: Uncertain significance for Inborn genetic diseases. Last evaluated: 2021-06-11. Review status: criteria provided, single submitter. Criteria: Ambry Variant Classification Scheme 2023. Collection method: clinical testing. Allele origin: germline.